The following is an entry in ClinVar:

ClinVar aggregate classification (germline): Uncertain significance (1 of 4 stars; one submission).

Submission:

Women's Health and Genetics/Laboratory Corporation of America, LabCorp
Classification: Uncertain significance. Last evaluated: 2023-08-22. Review status: criteria provided, single submitter. Criteria: LabCorp Variant Classification Summary - May 2015. Collection method: clinical testing. Allele origin: germline.
Comment: Variant summary: The variant identified by MLPA or other technology involves the duplication of exons 1-16, i.e. the whole coding sequence of the MCM4 gene. Since the exact breakpoints of this duplication are not known, it might extend beyond the assayed region of the gene, and include other flanking genes. A presumed nomenclature of c.(?_-943)_(*1383_?)dup has been designated for the purposes of this classification. It has been assumed that this is a tandem duplication in direct orientation (Richardson_GIM_2018, Newman_AJHG_2015). The variant was absent in 21694 control chromosomes in the gnomAD database, structural variants dataset. The available data on variant occurrences in the general population are insufficient to allow any conclusion about variant significance. To our knowledge, no occurrence of c.(?_-943)_(*1383_?)dup in individuals affected with Primary Immunodeficiency With Natural-Killer Cell Deficiency And Adrenal Insufficiency and no experimental evidence demonstrating its impact on protein function have been reported. ClinVar lists large duplication variants spanning multiple genes (including the whole MCM4 gene) as VUS, but provides no phenotype or classification details. Based on the evidence outlined above, the variant was classified as uncertain significance.

NC_000008.10:g.(?_48872762)_(48890721_?)dup

Gene: MCM4 (minichromosome maintenance complex component 4; plus strand). Cytogenetic location: 8q11.21.
Variant type: Duplication.
Identifiers: ClinVar variation 2581293 (VCV002581293.1).